The following is an entry in ClinVar:

NM_004260.4(RECQL4):c.1924G>C (p.Ala642Pro)

Gene: RECQL4 (RecQ like helicase 4; minus strand). Cytogenetic location: 8q24.3.
Variant type: single nucleotide variant.
Coding change: c.1924G>C on transcript NM_004260.4 (MANE Select); coding-DNA position 1924, G replaced by C.
Protein change: p.Ala642Pro; replaces alanine 642 with proline.
Molecular consequence: missense variant. On other transcripts: non-coding transcript variant (3).
Genome position (GRCh38, 1-based): chr8:144,514,062, C>G on the plus strand (G>C on the coding strand, the complement: RECQL4 is on the minus strand). VCF-style: chr8-144514062-C-G. GRCh37 (hg19) VCF-style: chr8-145739446-C-G.
Other names: c.1828G>C, p.Ala610Pro (NM_001413017.1, NM_001413020.1); c.1924G>C, p.Ala642Pro (NM_001413018.1, NM_001413019.1, NM_001413036.1); c.853G>C, p.Ala285Pro (NM_001413021.1, NM_001413022.1, NM_001413023.1 and 6 more transcripts); c.1795G>C, p.Ala599Pro (NM_001413025.1); c.721G>C, p.Ala241Pro (NM_001413037.1); c.1894G>C, p.Ala632Pro (NM_001413039.1); c.787G>C, p.Ala263Pro (NM_001413041.1, NM_001413027.1, NM_001413030.1 and 1 more transcripts); c.823G>C, p.Ala275Pro (NM_001413042.1); and 4 more; short protein forms A153P, A219P, A241P, A263P, A275P, A285P, A525P, A598P.
Identifiers: ClinVar variation 3621594 (VCV003621594.2).

ClinVar aggregate classification (germline): Uncertain significance (1 of 4 stars; one submission).

Conditions:
Baller-Gerold syndrome (BGS). Also called: CRANIOSYNOSTOSIS WITH RADIAL DEFECTS. Identifiers: Orphanet 1225, MedGen C0265308, MONDO:0009039, OMIM 218600.

Submission:

Labcorp Genetics (formerly Invitae), Labcorp
Classification: Uncertain significance for Baller-Gerold syndrome. Last evaluated: 2025-01-28. Review status: criteria provided, single submitter. Criteria: Invitae Variant Classification Sherloc (09022015). Collection method: clinical testing. Allele origin: germline.
Comment: This sequence change replaces alanine, which is neutral and non-polar, with proline, which is neutral and non-polar, at codon 642 of the RECQL4 protein (p.Ala642Pro). This variant is not present in population databases (gnomAD no frequency). This variant has not been reported in the literature in individuals affected with RECQL4-related conditions. Invitae Evidence Modeling of protein sequence and biophysical properties (such as structural, functional, and spatial information, amino acid conservation, physicochemical variation, residue mobility, and thermodynamic stability) indicates that this missense variant is expected to disrupt RECQL4 protein function with a positive predictive value of 80%. In summary, the available evidence is currently insufficient to determine the role of this variant in disease. Therefore, it has been classified as a Variant of Uncertain Significance.